The following is an entry in ClinVar:

ClinVar aggregate classification (germline): Uncertain significance. Review status: criteria provided, multiple submitters, no conflicts (2 of 4 stars). 2 submissions from 2 submitters: Uncertain significance (2). Last evaluated 2025-07-30.

Conditions:
Frasier syndrome. Identifiers: Orphanet 347, MedGen C0950122, MeSH D052159, MONDO:0007635, OMIM 136680.
Drash syndrome (DDS). Also called: WILMS TUMOR AND PSEUDO- OR TRUE HERMAPHRODITISM; NEPHROPATHY, WILMS TUMOR, AND GENITAL ANOMALIES. Identifiers: Orphanet 220, MedGen C0950121, MONDO:0008682, OMIM 194080.
Wilms tumor 1 (WT1). Also called: Wilms tumor, somatic. Identifiers: Orphanet 654, MedGen CN033288, MONDO:0008679, OMIM 194070.
11p partial monosomy syndrome (WAGR). Also called: WAGR Complex; WAGR syndrome; WAGR Spectrum Disorder; CHROMOSOME 11p13 DELETION SYNDROME. Identifiers: Orphanet 893, MedGen C0206115, MONDO:0008681, OMIM 194072.
Inborn genetic diseases. Identifiers: MedGen C0950123, MeSH D030342.

Allele frequency attached by ClinVar (database versions not stated): TOPMed 0.00001.
gnomAD v4.1: 6 of 1,613,696 alleles (0.00037%); highest among the groups gnomAD compares: Non-Finnish European, 0.00051%; no homozygotes.

Submissions (2):

Labcorp Genetics (formerly Invitae), Labcorp
Classification: Uncertain significance for Wilms tumor 1; Drash syndrome; 11p partial monosomy syndrome; Frasier syndrome. Last evaluated: 2025-07-30. Review status: criteria provided, single submitter. Criteria: Invitae Variant Classification Sherloc (09022015). Collection method: clinical testing. Allele origin: germline.
Comment: This sequence change replaces threonine, which is neutral and polar, with arginine, which is basic and polar, at codon 225 of the WT1 protein (p.Thr225Arg). This variant is not present in population databases (gnomAD no frequency). This variant has not been reported in the literature in individuals affected with WT1-related conditions. ClinVar contains an entry for this variant (Variation ID: 842802). Invitae Evidence Modeling of protein sequence and biophysical properties (such as structural, functional, and spatial information, amino acid conservation, physicochemical variation, residue mobility, and thermodynamic stability) indicates that this missense variant is not expected to disrupt WT1 protein function with a negative predictive value of 95%. In summary, the available evidence is currently insufficient to determine the role of this variant in disease. Therefore, it has been classified as a Variant of Uncertain Significance.

Ambry Genetics
Classification: Uncertain significance for Inborn genetic diseases. Last evaluated: 2024-12-25. Review status: criteria provided, single submitter. Criteria: Ambry Variant Classification Scheme 2023. Collection method: clinical testing. Allele origin: germline.
Comment: The p.T225R variant (also known as c.674C>G), located in coding exon 2 of the WT1 gene, results from a C to G substitution at nucleotide position 674. The threonine at codon 225 is replaced by arginine, an amino acid with similar properties. This amino acid position is conserved. In addition, the in silico prediction for this alteration is inconclusive. Based on the available evidence, the clinical significance of this variant remains unclear.

NM_024426.6(WT1):c.689C>G (p.Thr230Arg)

Gene: WT1 (WT1 transcription factor; minus strand). Cytogenetic location: 11p13.
Variant type: single nucleotide variant.
Coding change: c.689C>G on transcript NM_024426.6 (MANE Select); coding-DNA position 689, C replaced by G.
Protein change: p.Thr230Arg; replaces threonine 230 with arginine.
Molecular consequence: missense variant. On other transcripts: non-coding transcript variant (1).
Genome position (GRCh38, 1-based): chr11:32,428,592, G>C on the plus strand (C>G on the coding strand, the complement: WT1 is on the minus strand). VCF-style: chr11-32428592-G-C. GRCh37 (hg19) VCF-style: chr11-32450138-G-C.
Other names: c.689C>G, p.Thr230Arg (NM_000378.6, NM_001407044.1, NM_001407045.1 and 4 more transcripts); c.38C>G, p.Thr13Arg (NM_001198551.2, NM_001198552.2); c.-74C>G (NM_001407051.1); c.674C>G, p.Thr225Arg (NM_024425.2); short protein forms T230R, T13R, T225R.
Identifiers: ClinVar variation 842802 (VCV000842802.10), dbSNP rs777166391, ClinGen allele CA379963537.